The following is an entry in ClinVar:

ClinVar aggregate classification (germline): Pathogenic. Review status: criteria provided, multiple submitters, no conflicts (2 of 4 stars). 3 submissions from 3 submitters: Pathogenic (3). Last evaluated 2024-08-01.

Conditions:
Autosomal recessive limb-girdle muscular dystrophy type 2A (LGMDR1). Also called: Limb-girdle muscular dystrophy, type 2A; Calpainopathy; Muscular dystrophy, limb-girdle, type 2A, Amish; LEYDEN-MOEBIUS MUSCULAR DYSTROPHY; MUSCULAR DYSTROPHY, PELVOFEMORAL. Identifiers: Orphanet 267, MedGen C1869123, MONDO:0009675, OMIM 253600. Disease mechanism: loss of function.

Submissions (3):

CeGaT Center for Human Genetics Tuebingen
Classification: Pathogenic. Last evaluated: 2024-08-01. Review status: criteria provided, single submitter. Criteria: CeGaT Center For Human Genetics Tuebingen Variant Classification Criteria Version 2. Collection method: clinical testing. Allele origin: germline. Affected: yes. Observed: 2 variant alleles.
Comment: CAPN3: PVS1, PM2

Labcorp Genetics (formerly Invitae), Labcorp
Classification: Pathogenic for Autosomal recessive limb-girdle muscular dystrophy type 2A. Last evaluated: 2022-07-10. Review status: criteria provided, single submitter. Criteria: Invitae Variant Classification Sherloc (09022015). Collection method: clinical testing. Allele origin: germline.
Comment: This sequence change creates a premature translational stop signal (p.Glu667Glyfs*6) in the CAPN3 gene. It is expected to result in an absent or disrupted protein product. Loss-of-function variants in CAPN3 are known to be pathogenic (PMID: 10330340, 15689361). ClinVar contains an entry for this variant (Variation ID: 288777). For these reasons, this variant has been classified as Pathogenic. This variant is also known as 1999-2000insG. This variant is not present in population databases (gnomAD no frequency). This premature translational stop signal has been observed in individual(s) with limb-girdle muscular dystrophy (PMID: 11525884).

Eurofins Ntd Llc (ga)
Classification: Pathogenic. Last evaluated: 2016-07-12. Review status: criteria provided, single submitter. Criteria: EGL Classification Definitions. Collection method: clinical testing. Allele origin: germline. Observed: 1 variant allele, 1 heterozygote.

Literature cited by the submitters: PubMed 10330340 (cited by Labcorp Genetics (formerly Invitae), Labcorp); PubMed 15689361 (cited by Labcorp Genetics (formerly Invitae), Labcorp); PubMed 11525884 (cited by Labcorp Genetics (formerly Invitae), Labcorp).

NM_000070.3(CAPN3):c.1999dup (p.Glu667fs)

Gene: CAPN3 (calpain 3; plus strand). Cytogenetic location: 15q15.1.
Variant type: Duplication.
Coding change: c.1999dup on transcript NM_000070.3 (MANE Select); coding-DNA position 1999, one base duplicated (G; older notation c.1999dupG).
Protein change: p.Glu667fs; shifts the reading frame from glutamic acid 667.
Molecular consequence: frameshift variant. On other transcripts: initiator codon variant (2).
Genome position (GRCh38, 1-based): chr15:42,409,793, G duplicated; the last of 2 consecutive G bases (chr15:42,409,792-42,409,793); duplicating either gives the same sequence. VCF-style (leftmost placement, unchanged base first): chr15-42409791-T-TG. GRCh37 (hg19) VCF-style: chr15-42701989-T-TG.
Other names: c.1981dup, p.Glu661fs (NM_024344.2); c.1723dup, p.Glu575fs (NM_173087.2); c.463dup, p.Glu155fs (NM_173088.2); c.4dup, p.Glu2fs (NM_173089.2, NM_173090.2); short protein forms E155fs, E575fs, E2fs, E661fs, E667fs.
Identifiers: ClinVar variation 288777 (VCV000288777.27), dbSNP rs886044004, ClinGen allele CA10606217.
Genomic context (GRCh38, chr15:42,409,791, plus strand): 5'-CGCGCCAGGAGCTGCTGTACTCCTGAACCATGACCCTCCTCTCCCTTCCTCCTCAGGACA[T>TG]GGAGATCTGTGCAGATGAGCTCAAGAAGGTCCTTAACACAGTCGTGAACAAACGTGAGTT-3'